The following is an entry in ClinVar:

ClinVar aggregate classification (germline): Uncertain significance (1 of 4 stars; one submission).

Conditions:
Cardiovascular phenotype. Identifiers: MedGen CN230736.

gnomAD v4.1: 9 of 1,614,074 alleles (0.00056%); highest among the groups gnomAD compares: Non-Finnish European, 0.00068%; no homozygotes.

Submission:

Ambry Genetics
Classification: Uncertain significance for Cardiovascular phenotype. Last evaluated: 2022-01-12. Review status: criteria provided, single submitter. Criteria: Ambry Variant Classification Scheme 2023. Collection method: clinical testing. Allele origin: germline.
Comment: The p.V25L variant (also known as c.73G>C), located in coding exon 2 of the SCN3B gene, results from a G to C substitution at nucleotide position 73. The valine at codon 25 is replaced by leucine, an amino acid with highly similar properties. This amino acid position is conserved. In addition, the in silico prediction for this alteration is inconclusive. Since supporting evidence is limited at this time, the clinical significance of this alteration remains unclear.

NM_001040151.2(SCN3B):c.73G>C (p.Val25Leu)

Gene: SCN3B (sodium voltage-gated channel beta subunit 3; minus strand). Cytogenetic location: 11q24.1.
Variant type: single nucleotide variant.
Coding change: c.73G>C on transcript NM_001040151.2 (MANE Select); coding-DNA position 73, G replaced by C.
Protein change: p.Val25Leu; replaces valine 25 with leucine.
Molecular consequence: missense variant.
Genome position (GRCh38, 1-based): chr11:123,645,733, C>G on the plus strand (G>C on the coding strand, the complement: SCN3B is on the minus strand). VCF-style: chr11-123645733-C-G. GRCh37 (hg19) VCF-style: chr11-123516441-C-G.
Other names: c.73G>C, p.Val25Leu (NM_018400.4); short protein forms V25L.
Identifiers: ClinVar variation 1758730 (VCV001758730.2), dbSNP rs746954414, ClinGen allele CA383073251.
Genomic context (GRCh38, chr11:123,645,733, plus strand): 5'-AGCGCAGCTTCATGGGGTTGCCCTGCACGGCCTCCGTCTCCGAGGGCACTTCCACACACA[C>G]AGGGAAGCAGACACTGACTGCAGAGAGGACAGATGGACAGGGAAGGAACAGCAGGTGGTG-3'
Protein context (NP_001035241.1, residues 15-35): LIYWVSVCFP[Val25Leu]CVEVPSETEA